The following is an entry in ClinVar:

ClinVar aggregate classification (germline): Likely benign (1 of 4 stars; one submission).

Conditions:
Xeroderma pigmentosum variant type. Also called: PHOTOSENSITIVITY WITH DEFECTIVE DNA SYNTHESIS; XERODERMA PIGMENTOSUM WITH NORMAL DNA REPAIR RATES; POLH-Related Xeroderma Pigmentosum. Identifiers: Orphanet 90342, MedGen C1848410, MONDO:0010214, OMIM 278750.

Allele frequency attached by ClinVar (database versions not stated): TOPMed 0.00083; gnomAD 0.00135 and 0.00166; 1000 Genomes Project 0.00160; 1000 Genomes Project 30x 0.00203.
gnomAD v4.1: 248 of 151,950 alleles (0.16%); highest among the groups gnomAD compares: South Asian, 1.1%; no homozygotes.

Submission:

Illumina Laboratory Services, Illumina
Classification: Likely benign for Xeroderma pigmentosum variant type. Last evaluated: 2018-01-13. Review status: criteria provided, single submitter. Criteria: ICSL Variant Classification Criteria 13 December 2019. Collection method: clinical testing. Allele origin: germline.
Comment: This variant was observed in the ICSL laboratory as part of a predisposition screen in an ostensibly healthy population. It had not been previously curated by ICSL or reported in the Human Gene Mutation Database (HGMD: prior to June 1st, 2018), and was therefore a candidate for classification through an automated scoring system. Utilizing variant allele frequency, disease prevalence and penetrance estimates, and inheritance mode, an automated score was calculated to assess if this variant is too frequent to cause the disease. Based on the score and internal cut-off values, a variant classified as likely benign is not then subjected to further curation. The score for this variant resulted in a classification of likely benign for this disease.

NM_006502.3(POLH):c.*1336G>A

Gene: POLH (DNA polymerase eta; plus strand). Cytogenetic location: 6p21.1.
Variant type: single nucleotide variant.
Coding change: c.*1336G>A on transcript NM_006502.3 (MANE Select); 1336 bases downstream of the stop codon, G replaced by A.
Molecular consequence: 3 prime UTR variant.
Genome position (GRCh38, 1-based): chr6:43,615,893, G>A. VCF-style: chr6-43615893-G-A. GRCh37 (hg19) VCF-style: chr6-43583630-G-A.
Other names: c.*1336G>A (NM_001291969.2); c.*2162G>A (NM_001291970.2).
Identifiers: ClinVar variation 909753 (VCV000909753.4), dbSNP rs9333563, ClinGen allele CA138307525.